The following is an entry in ClinVar:

ClinVar aggregate classification (germline): Uncertain significance (1 of 4 stars; one submission).

Conditions:
Primary ciliary dyskinesia. Also called: Ciliary dyskinesia. Identifiers: Orphanet 244, MedGen C0008780, MONDO:0016575, HP:0012265.

Allele frequency attached by ClinVar (database versions not stated): gnomAD 0.00001.
gnomAD v4.1: 7 of 1,613,632 alleles (0.00043%); highest among the groups gnomAD compares: Admixed American, 0.0017%; no homozygotes.

Submission:

Ambry Genetics
Classification: Uncertain significance for Primary ciliary dyskinesia. Last evaluated: 2021-12-13. Review status: criteria provided, single submitter. Criteria: Ambry Variant Classification Scheme 2023. Collection method: clinical testing. Allele origin: germline.
Comment: The c.611-5T>G intronic variant results from a T to G substitution 5 nucleotides upstream from coding exon 5 in the DNAI2 gene. This nucleotide position is well conserved in available vertebrate species. In silico splice site analysis predicts that this alteration will not have any significant effect on splicing. Since supporting evidence is limited at this time, the clinical significance of this alteration remains unclear.

NM_023036.6(DNAI2):c.611-5T>G

Gene: DNAI2 (dynein axonemal intermediate chain 2; plus strand). Cytogenetic location: 17q25.1.
Variant type: single nucleotide variant.
Coding change: c.611-5T>G on transcript NM_023036.6 (MANE Select); 5 bases into the intron before coding-DNA position 611, T replaced by G.
Molecular consequence: intron variant.
Genome position (GRCh38, 1-based): chr17:74,291,015, T>G. VCF-style: chr17-74291015-T-G. GRCh37 (hg19) VCF-style: chr17-72287154-T-G.
Other names: c.611-5T>G (NM_001353167.2, NM_001172810.3).
Identifiers: ClinVar variation 1751697 (VCV001751697.2), dbSNP rs1378230679, ClinGen allele CA627349368.
Genomic context (GRCh38, chr17:74,291,015, plus strand): 5'-GAAACTGGTTGATCCTGTCCTTTTCTTTCCGGGCCTGGTGGGGATAATTTTTTTGTGCTT[T>G]ATAGAAAACCCCAACAAGCCTGAACTTGCTCTGAAGCCATCGTCTCCACTCGTGACGTTG-3'